The following is an entry in ClinVar:

ClinVar aggregate classification (germline): Likely benign. Review status: criteria provided, multiple submitters, no conflicts (2 of 4 stars). 3 submissions from 3 submitters: Likely benign (2). 1 of the submissions does not count toward it. Last evaluated 2026-01-21.

Conditions:
MTOR-related disorder. Also called: MTOR-related condition.

Allele frequency attached by ClinVar (database versions not stated): gnomAD exomes 0.00001 and 0.00004; ExAC 0.00005; ESP Exome Variant Server 0.00015; gnomAD 0.00016 and 0.00019; TOPMed 0.00018.

Submissions (3):

Labcorp Genetics (formerly Invitae), Labcorp
Classification: Likely benign. Last evaluated: 2026-01-21. Review status: criteria provided, single submitter. Criteria: Invitae Variant Classification Sherloc (09022015). Collection method: clinical testing. Allele origin: germline.

GeneDx
Classification: Likely benign. Last evaluated: 2021-11-29. Review status: criteria provided, single submitter. Criteria: GeneDx Variant Classification Process June 2021. Collection method: clinical testing. Allele origin: germline. Affected: yes.
Comment: See Variant Classification Assertion Criteria.

PreventionGenetics, part of Exact Sciences
Classification: Likely benign for MTOR-related condition. Last evaluated: 2022-10-27. Review status: no assertion criteria provided. Collection method: clinical testing. Allele origin: germline. Not counted in ClinVar's aggregate classification.
Comment: This variant is classified as likely benign based on ACMG/AMP sequence variant interpretation guidelines (Richards et al. 2015 PMID: 25741868, with internal and published modifications).

NM_004958.4(MTOR):c.6352-10T>C

Gene: MTOR (mechanistic target of rapamycin kinase; minus strand). Cytogenetic location: 1p36.22.
Variant type: single nucleotide variant.
Coding change: c.6352-10T>C on transcript NM_004958.4 (MANE Select); 10 bases into the intron before coding-DNA position 6352, T replaced by C.
Molecular consequence: intron variant.
Genome position (GRCh38, 1-based): chr1:11,126,806, A>G on the plus strand (T>C on the coding strand, the complement: MTOR is on the minus strand). VCF-style: chr1-11126806-A-G. GRCh37 (hg19) VCF-style: chr1-11186863-A-G.
Identifiers: ClinVar variation 727177 (VCV000727177.14), dbSNP rs368616244, ClinGen allele CA589111.